The following is an entry in ClinVar:

ClinVar aggregate classification (germline): Pathogenic/Likely pathogenic. Review status: criteria provided, multiple submitters, no conflicts (2 of 4 stars). 2 submissions from 2 submitters: Pathogenic (1); Likely pathogenic (1). Last evaluated 2024-11-18.

Conditions:
Glucose-6-phosphate transport defect (GSD1B). Also called: Glycogen Storage Disease Type Ib; GSD Ib. Identifiers: Orphanet 364, Orphanet 79259, MedGen C0268146, MONDO:0009288, OMIM 232220.

Submissions (2):

Natera, Inc.
Classification: Likely pathogenic for Glycogen storage disease type Ib. Last evaluated: 2024-11-18. Review status: criteria provided, single submitter. Criteria: Natera Variant Classification Schema (03/2026). Collection method: clinical testing. Allele origin: germline.
Comment: The c.248G>A variant in SLC37A4 is a missense variant predicted to cause substitution of glycine to glutamic acid at amino acid 83. This variant is rare in the general population with a frequency below the threshold expected for the associated phenotype(s). This variant has been observed in one or more individuals affected with the associated recessive disease, as either homozygous or compound heterozygous with a second variant (PMID: 28685844). Computational prediction algorithms indicate this variant is likely to affect gene or protein function. Given the available evidence, this variant is classified as Likely Pathogenic.

Labcorp Genetics (formerly Invitae), Labcorp
Classification: Pathogenic for Glucose-6-phosphate transport defect. Last evaluated: 2024-04-05. Review status: criteria provided, single submitter. Criteria: Invitae Variant Classification Sherloc (09022015). Collection method: clinical testing. Allele origin: germline.
Comment: This sequence change replaces glycine, which is neutral and non-polar, with glutamic acid, which is acidic and polar, at codon 83 of the SLC37A4 protein (p.Gly83Glu). This variant is not present in population databases (gnomAD no frequency). This missense change has been observed in individual(s) with glycogen storage disease (PMID: 28685844). In at least one individual the data is consistent with being in trans (on the opposite chromosome) from a pathogenic variant. ClinVar contains an entry for this variant (Variation ID: 1067349). Advanced modeling of protein sequence and biophysical properties (such as structural, functional, and spatial information, amino acid conservation, physicochemical variation, residue mobility, and thermodynamic stability) performed at Invitae indicates that this missense variant is expected to disrupt SLC37A4 protein function with a positive predictive value of 80%. Experimental studies have shown that this missense change affects SLC37A4 function (PMID: 30951856). For these reasons, this variant has been classified as Pathogenic.

Literature cited by the submitters: PubMed 28685844 (cited by Natera, Inc. and Labcorp Genetics (formerly Invitae), Labcorp); PubMed 30951856 (cited by Labcorp Genetics (formerly Invitae), Labcorp).

NM_001164277.2(SLC37A4):c.248G>A (p.Gly83Glu)

Gene: SLC37A4 (solute carrier family 37 member 4; minus strand). Cytogenetic location: 11q23.3.
Variant type: single nucleotide variant.
Coding change: c.248G>A on transcript NM_001164277.2 (MANE Select); coding-DNA position 248, G replaced by A.
Protein change: p.Gly83Glu; replaces glycine 83 with glutamic acid.
Molecular consequence: missense variant.
Genome position (GRCh38, 1-based): chr11:119,028,327, C>T on the plus strand (G>A on the coding strand, the complement: SLC37A4 is on the minus strand). VCF-style: chr11-119028327-C-T. GRCh37 (hg19) VCF-style: chr11-118899037-C-T.
Other names: c.248G>A (NM_001164277.1); c.248G>A, p.Gly83Glu (NM_001164278.2, NM_001164280.2, NM_001467.6); c.29G>A, p.Gly10Glu (NM_001164279.2); short protein forms G10E, G83E.
Identifiers: ClinVar variation 1067349 (VCV001067349.8), dbSNP rs2134640168, ClinGen allele CA382905655.